The following is an entry in ClinVar:

NM_000079.4(CHRNA1):c.1242T>G (p.Asn414Lys)

Gene: CHRNA1 (cholinergic receptor nicotinic alpha 1 subunit; minus strand). Cytogenetic location: 2q31.1.
Variant type: single nucleotide variant.
Coding change: c.1242T>G on transcript NM_000079.4 (MANE Select); coding-DNA position 1242, T replaced by G.
Protein change: p.Asn414Lys; replaces asparagine 414 with lysine.
Molecular consequence: missense variant.
Genome position (GRCh38, 1-based): chr2:174,748,580, A>C on the plus strand (T>G on the coding strand, the complement: CHRNA1 is on the minus strand). VCF-style: chr2-174748580-A-C. GRCh37 (hg19) VCF-style: chr2-175613308-A-C.
Other names: c.1317T>G, p.Asn439Lys (NM_001039523.3); short protein forms N439K, N414K.
Identifiers: ClinVar variation 654719 (VCV000654719.14), dbSNP rs199545638, ClinGen allele CA1974338.

ClinVar aggregate classification (germline): Uncertain significance. Review status: criteria provided, multiple submitters, no conflicts (2 of 4 stars). 3 submissions from 3 submitters: Uncertain significance (3). Last evaluated 2025-10-23.

Conditions:
Lethal multiple pterygium syndrome (LMPS). Identifiers: Orphanet 33108, MedGen C1854678, MONDO:0009668, OMIM 253290.

Allele frequency attached by ClinVar (database versions not stated): TOPMed 0.00004; gnomAD 0.00003.
gnomAD v4.1: 84 of 1,610,168 alleles (0.0052%); highest among the groups gnomAD compares: Admixed American, 0.0017%; no homozygotes.

Submissions (3):

Labcorp Genetics (formerly Invitae), Labcorp
Classification: Uncertain significance for Lethal multiple pterygium syndrome. Last evaluated: 2025-10-23. Review status: criteria provided, single submitter. Criteria: Invitae Variant Classification Sherloc (09022015). Collection method: clinical testing. Allele origin: germline.
Comment: This sequence change replaces asparagine, which is neutral and polar, with lysine, which is basic and polar, at codon 414 of the CHRNA1 protein (p.Asn414Lys). This variant is present in population databases (rs199545638, gnomAD 0.2%). This variant has not been reported in the literature in individuals affected with CHRNA1-related conditions. ClinVar contains an entry for this variant (Variation ID: 654719). An algorithm developed to predict the effect of missense changes on protein structure and function (PolyPhen-2) suggests that this variant is likely to be tolerated. In summary, the available evidence is currently insufficient to determine the role of this variant in disease. Therefore, it has been classified as a Variant of Uncertain Significance.

Women's Health and Genetics/Laboratory Corporation of America, LabCorp
Classification: Uncertain significance. Last evaluated: 2024-04-12. Review status: criteria provided, single submitter. Criteria: LabCorp Variant Classification Summary - May 2015. Collection method: clinical testing. Allele origin: germline.
Comment: Variant summary: CHRNA1 c.1242T>G (p.Asn414Lys) results in a non-conservative amino acid change in the encoded protein sequence. Three of four in-silico tools predict a benign effect of the variant on protein function. Consensus agreement among computation tools predict no significant impact on normal splicing. However, these predictions have yet to be confirmed by functional studies. The variant allele was found at a frequency of 7.6e-05 in 250794 control chromosomes (gnomAD). To our knowledge, no occurrence of c.1242T>G in individuals affected with Myasthenic Syndrome, Slow-Channel Congenital and no experimental evidence demonstrating its impact on protein function have been reported. ClinVar contains an entry for this variant (Variation ID: 654719). Based on the evidence outlined above, the variant was classified as uncertain significance.

Revvity Omics, Revvity
Classification: Uncertain significance. Last evaluated: 2020-08-24. Review status: criteria provided, single submitter. Criteria: ACMG Guidelines, 2015. Collection method: clinical testing. Allele origin: germline.